The following is an entry in ClinVar:

NM_001379500.1(COL18A1):c.3462_3464del (p.Pro1155del)

Genes: COL18A1 (collagen type XVIII alpha 1 chain; plus strand), SLC19A1 (solute carrier family 19 member 1; minus strand). Cytogenetic location: 21q22.3.
Variant type: Deletion.
Coding change: c.3462_3464del on transcript NM_001379500.1 (MANE Select); coding-DNA positions 3462 to 3464, 3 bases deleted (ACC; older notation c.3462_3464delACC).
Protein change: p.Pro1155del; deletes proline 1155.
Molecular consequence: inframe deletion.
Genome position (GRCh38, 1-based): chr21:45,509,568-45,509,570, ACC deleted; deleting any 3 consecutive bases within chr21:45,509,566-45,509,570 gives the same sequence; the c. name uses the placement nearest the transcript's 3' end. VCF-style (leftmost placement, unchanged base first): chr21-45509565-CCCA-C. GRCh37 (hg19) VCF-style: chr21-46929479-CCCA-C.
Other names: c.3993_3995del, p.Pro1332del (NM_030582.4); c.4698_4700del, p.Pro1567del (NM_130444.3); short protein forms P1567del, P1332del, P1155del.
Identifiers: ClinVar variation 2031666 (VCV002031666.4), dbSNP rs2517848288, ClinGen allele CA2580098922.

ClinVar aggregate classification (germline): Uncertain significance (1 of 4 stars; one submission).

Submission:

Labcorp Genetics (formerly Invitae), Labcorp
Classification: Uncertain significance. Last evaluated: 2023-11-27. Review status: criteria provided, single submitter. Criteria: Invitae Variant Classification Sherloc (09022015). Collection method: clinical testing. Allele origin: germline.
Comment: This variant, c.3453_3455del, results in the deletion of 1 amino acid(s) of the COL18A1 protein (p.Pro1152del), but otherwise preserves the integrity of the reading frame. This variant is not present in population databases (gnomAD no frequency). This variant has not been reported in the literature in individuals affected with COL18A1-related conditions. ClinVar contains an entry for this variant (Variation ID: 2031666). Experimental studies and prediction algorithms are not available or were not evaluated, and the functional significance of this variant is currently unknown. In summary, the available evidence is currently insufficient to determine the role of this variant in disease. Therefore, it has been classified as a Variant of Uncertain Significance.